The following is an entry in ClinVar:

NM_002471.4(MYH6):c.4394C>T (p.Ser1465Leu)

Gene: MYH6 (myosin heavy chain 6; minus strand). Cytogenetic location: 14q11.2.
Variant type: single nucleotide variant.
Coding change: c.4394C>T on transcript NM_002471.4 (MANE Select); coding-DNA position 4394, C replaced by T.
Protein change: p.Ser1465Leu; replaces serine 1465 with leucine.
Molecular consequence: missense variant.
Genome position (GRCh38, 1-based): chr14:23,387,889, G>A on the plus strand (C>T on the coding strand, the complement: MYH6 is on the minus strand). VCF-style: chr14-23387889-G-A. GRCh37 (hg19) VCF-style: chr14-23857098-G-A.
Other names: short protein forms S1465L.
Identifiers: ClinVar variation 423354 (VCV000423354.6), dbSNP rs766327056, ClinGen allele CA7114774.

ClinVar aggregate classification (germline): Uncertain significance. Review status: criteria provided, multiple submitters, no conflicts (2 of 4 stars). 4 submissions from 4 submitters: Uncertain significance (4). Last evaluated 2025-07-31.

Conditions:
Cardiovascular phenotype. Identifiers: MedGen CN230736.
Dilated cardiomyopathy 1EE (CMD1EE). Identifiers: Orphanet 154, MedGen C2750466, MONDO:0013198, OMIM 613252.
Hypertrophic cardiomyopathy 1 (CMH1). Also called: MYH7-Related Familial Hypertrophic Cardiomyopathy; Familial hypertrophic cardiomyopathy 1. Identifiers: MedGen C3495498, MONDO:0008647, OMIM 192600.
Hypertrophic cardiomyopathy 14. Identifiers: MedGen C2750467, MONDO:0013197, OMIM 613251.
Sick sinus syndrome 3, susceptibility to (SSS3). Identifiers: Orphanet 166282, MedGen C3279791, MONDO:0013568, OMIM 614090.
Atrial septal defect 3 (ASD3). Identifiers: Orphanet 1478, MedGen C3279790, MONDO:0013567, OMIM 614089.

Allele frequency attached by ClinVar (database versions not stated): ExAC 0.00001; gnomAD 0.00001 and 0.00002; gnomAD exomes 0.00001 and 0.00002; TOPMed 0.00002.
gnomAD v4.1: 37 of 1,613,886 alleles (0.0023%); highest among the groups gnomAD compares: Non-Finnish European, 0.0028%; no homozygotes.

Submissions (4):

Ambry Genetics
Classification: Uncertain significance for Cardiovascular phenotype. Last evaluated: 2025-07-31. Review status: criteria provided, single submitter. Criteria: Ambry Variant Classification Scheme 2023. Collection method: clinical testing. Allele origin: germline.
Comment: The p.S1465L variant (also known as c.4394C>T), located in coding exon 29 of the MYH6 gene, results from a C to T substitution at nucleotide position 4394. The serine at codon 1465 is replaced by leucine, an amino acid with dissimilar properties. This amino acid position is well conserved in available vertebrate species. In addition, this alteration is predicted to be tolerated by in silico analysis. Based on the available evidence, the clinical significance of this variant remains unclear.

Labcorp Genetics (formerly Invitae), Labcorp
Classification: Uncertain significance for Hypertrophic cardiomyopathy 14. Last evaluated: 2025-01-29. Review status: criteria provided, single submitter. Criteria: Invitae Variant Classification Sherloc (09022015). Collection method: clinical testing. Allele origin: germline.
Comment: This sequence change replaces serine, which is neutral and polar, with leucine, which is neutral and non-polar, at codon 1465 of the MYH6 protein (p.Ser1465Leu). This variant is present in population databases (rs766327056, gnomAD 0.0009%). This variant has not been reported in the literature in individuals affected with MYH6-related conditions. ClinVar contains an entry for this variant (Variation ID: 423354). Invitae Evidence Modeling of protein sequence and biophysical properties (such as structural, functional, and spatial information, amino acid conservation, physicochemical variation, residue mobility, and thermodynamic stability) indicates that this missense variant is expected to disrupt MYH6 protein function with a positive predictive value of 80%. In summary, the available evidence is currently insufficient to determine the role of this variant in disease. Therefore, it has been classified as a Variant of Uncertain Significance.

Fulgent Genetics
Classification: Uncertain significance for Hypertrophic cardiomyopathy 1; Hypertrophic cardiomyopathy 14; Dilated cardiomyopathy 1EE; Atrial septal defect 3; Sick sinus syndrome 3, susceptibility to. Last evaluated: 2021-10-17. Review status: criteria provided, single submitter. Criteria: ACMG Guidelines, 2015. Collection method: clinical testing. Allele origin: unknown.

GeneDx
Classification: Uncertain significance. Last evaluated: 2018-02-26. Review status: criteria provided, single submitter. Criteria: GeneDx Variant Classification (06012015). Collection method: clinical testing. Allele origin: germline. Affected: yes.
Comment: The S1465L variant has not been published as pathogenic or been reported as benign to our knowledge. The S1465L variant is not observed at a significant frequency in large population cohorts (Lek et al., 2016; 1000 Genomes Consortium et al., 2015; Exome Variant Server). Though this substitution occurs at a position where amino acids with similar properties to serine are tolerated across species, S1465L is a non-conservative amino acid substitution, which is likely to impact secondary protein structure as these residues differ in polarity, charge, size and/or other properties. Nevertheless, in silico analysis is inconsistent in its predictions as to whether or not the variant is damaging to the protein structure/function.